The following is an entry in ClinVar:

ClinVar aggregate classification (germline): Uncertain significance. Review status: criteria provided, multiple submitters, no conflicts (2 of 4 stars). 3 submissions from 3 submitters: Uncertain significance (3). Last evaluated 2025-01-23.

Conditions:
Hereditary cancer-predisposing syndrome. Also called: Hereditary Cancer Syndrome; Neoplastic Syndromes, Hereditary; Tumor predisposition; Hereditary neoplastic syndrome. Identifiers: Orphanet 140162, MedGen C0027672, MeSH D009386, MONDO:0015356.
BRCA2-related cancer predisposition. Identifiers: MedGen CN377758, MONDO:0700269.

Allele frequency attached by ClinVar (database versions not stated): gnomAD exomes below 0.00001.
gnomAD v4.1: 1 of 1,613,938 alleles (0.000062%); highest among the groups gnomAD compares: Non-Finnish European, 0.000085%; no homozygotes.

Submissions (3):

Ambry Genetics
Classification: Uncertain significance for Hereditary cancer-predisposing syndrome. Last evaluated: 2025-01-23. Review status: criteria provided, single submitter. Criteria: Ambry Variant Classification Scheme 2023. Collection method: clinical testing. Allele origin: germline.
Comment: The p.E83G variant (also known as c.248A>G), located in coding exon 2 of the BRCA2 gene, results from an A to G substitution at nucleotide position 248. The glutamic acid at codon 83 is replaced by glycine, an amino acid with similar properties. This amino acid position is not well conserved in available vertebrate species. In addition, this alteration is predicted to be tolerated by in silico analysis. Based on the available evidence, the clinical significance of this variant remains unclear.

All of Us Research Program, National Institutes of Health
Classification: Uncertain significance for BRCA2-related cancer predisposition. Last evaluated: 2024-08-13. Review status: criteria provided, single submitter. Criteria: ACMG Guidelines, 2015. Collection method: clinical testing. Allele origin: germline. Inheritance: Autosomal dominant inheritance. Observed: 1 variant allele, 1 heterozygote.
Comment: This missense variant replaces glutamic acid with glycine at codon 83 of the BRCA2 protein. Computational prediction suggests that this variant may not impact protein structure and function. To our knowledge, functional studies have not been reported for this variant. This variant has not been reported in individuals affected with BRCA2-related disorders in the literature. This variant has not been identified in the general population by the Genome Aggregation Database (gnomAD). The available evidence is insufficient to determine the role of this variant in disease conclusively. Therefore, this variant is classified as a Variant of Uncertain Significance.

This study involves interpretation of variants in research participants for the purpose of population health screening. Participant phenotype was not available at the time of variant classification. Additional details can be found in publication PMID: 35346344, PMCID: PMC8962531

Color Diagnostics, LLC DBA Color Health
Classification: Uncertain significance for Hereditary cancer-predisposing syndrome. Last evaluated: 2024-07-24. Review status: criteria provided, single submitter. Criteria: ACMG Guidelines, 2015. Collection method: clinical testing. Allele origin: germline.
Comment: This missense variant replaces glutamic acid with glycine at codon 83 of the BRCA2 protein. Computational prediction suggests that this variant may not impact protein structure and function. To our knowledge, functional studies have not been reported for this variant. This variant has not been reported in individuals affected with BRCA2-related disorders in the literature. This variant has not been identified in the general population by the Genome Aggregation Database (gnomAD). The available evidence is insufficient to determine the role of this variant in disease conclusively. Therefore, this variant is classified as a Variant of Uncertain Significance.

NM_000059.4(BRCA2):c.248A>G (p.Glu83Gly)

Gene: BRCA2 (BRCA2 DNA repair associated; plus strand). Cytogenetic location: 13q13.1.
Variant type: single nucleotide variant.
Coding change: c.248A>G on transcript NM_000059.4 (MANE Select); coding-DNA position 248, A replaced by G.
Protein change: p.Glu83Gly; replaces glutamic acid 83 with glycine.
Molecular consequence: missense variant.
Genome position (GRCh38, 1-based): chr13:32,319,257, A>G. VCF-style: chr13-32319257-A-G. GRCh37 (hg19) VCF-style: chr13-32893394-A-G.
Other names: short protein forms E83G.
Identifiers: ClinVar variation 489751 (VCV000489751.7), dbSNP rs1555280395, ClinGen allele CA387754539.